The following is an entry in ClinVar:

ClinVar aggregate classification (germline): Conflicting classifications of pathogenicity. Review status: criteria provided, conflicting classifications (1 of 4 stars). 2 submissions from 2 submitters: Uncertain significance (1); Likely benign (1). Last evaluated 2026-03-23.

Conditions:
Acute myeloid leukemia (AML). Also called: Acute myeloid leukemia, adult; AML adult; Acute non-lymphocytic leukemia; Acute granulocytic leukemia; Leukemia, acute myeloid, somatic; Leukemia, acute myelogenous, somatic. Identifiers: Orphanet 519, MedGen C0023467, MeSH D015470, MONDO:0018874, OMIM 601626, HP:0004808. Disease mechanism: Constitutively activated FLT3.
Inborn genetic diseases. Identifiers: MedGen C0950123, MeSH D030342.

Submissions (2):

Ambry Genetics
Classification: Likely benign for Inborn genetic diseases. Last evaluated: 2026-03-23. Review status: criteria provided, single submitter. Criteria: Ambry Variant Classification Scheme 2023. Collection method: clinical testing. Allele origin: germline.

Labcorp Genetics (formerly Invitae), Labcorp
Classification: Uncertain significance for Acute myeloid leukemia. Last evaluated: 2025-04-27. Review status: criteria provided, single submitter. Criteria: Invitae Variant Classification Sherloc (09022015). Collection method: clinical testing. Allele origin: germline.
Comment: This sequence change affects codon 127 of the CEBPA mRNA. It is a 'silent' change, meaning that it does not change the encoded amino acid sequence of the CEBPA protein. The frequency data for this variant in the population databases is considered unreliable, as metrics indicate insufficient coverage at this position in the gnomAD database. This variant has not been reported in the literature in individuals affected with CEBPA-related conditions. In summary, the available evidence is currently insufficient to determine the role of this variant in disease. Therefore, it has been classified as a Variant of Uncertain Significance.

NM_004364.5(CEBPA):c.381C>G (p.Pro127=)

Gene: CEBPA (CCAAT enhancer binding protein alpha; minus strand). Cytogenetic location: 19q13.11.
Variant type: single nucleotide variant.
Coding change: c.381C>G on transcript NM_004364.5 (MANE Select); coding-DNA position 381, C replaced by G.
Protein change: p.Pro127=; no amino-acid change (proline 127 retained).
Molecular consequence: synonymous variant.
Genome position (GRCh38, 1-based): chr19:33,302,034, G>C on the plus strand (C>G on the coding strand, the complement: CEBPA is on the minus strand). VCF-style: chr19-33302034-G-C. GRCh37 (hg19) VCF-style: chr19-33792940-G-C.
Other names: c.24C>G, p.Pro8= (NM_001285829.2); c.486C>G, p.Pro162= (NM_001287424.2); c.339C>G, p.Pro113= (NM_001287435.2).
Identifiers: ClinVar variation 4718380 (VCV004718380.2).